The following is an entry in ClinVar:

NM_032776.3(JMJD1C):c.5040AAG[1] (p.Arg1681del)

Gene: JMJD1C (jumonji domain containing 1C; minus strand). Cytogenetic location: 10q21.3.
Variant type: Microsatellite.
Coding change: c.5040AAG[1] on transcript NM_032776.3 (MANE Select); one copy of the 3-base unit AAG starting at c.5040; the reference has two copies in a row; one copy, 3 bases deleted.
Protein change: p.Arg1681del; deletes arginine 1681.
Molecular consequence: inframe deletion. On other transcripts: non-coding transcript variant (1).
Genome position (GRCh38, 1-based): chr10:63,206,624-63,206,626, CTT deleted on the plus strand (AAG on the coding strand, the reverse complement: JMJD1C is on the minus strand); deleting any 3 consecutive bases within chr10:63,206,624-63,206,629 gives the same sequence; the position shown is the placement nearest the transcript's 3' end. VCF-style (leftmost placement, unchanged base first): chr10-63206623-ACTT-A. GRCh37 (hg19) VCF-style: chr10-64966383-ACTT-A.
Other names: c.4494AAG[1], p.Arg1499del (NM_001282948.2, NM_001318154.2); c.4176AAG[1], p.Arg1393del (NM_001318153.2); c.4926AAG[1], p.Arg1643del (NM_001322252.2); c.4383AAG[1], p.Arg1462del (NM_001322254.2, NM_001322258.2); short protein forms R1393del, R1643del, R1681del, R1462del, R1499del.
Identifiers: ClinVar variation 2879353 (VCV002879353.3), dbSNP rs2492661389, ClinGen allele CA2609325592.

ClinVar aggregate classification (germline): Uncertain significance (1 of 4 stars; one submission).

Conditions:
Early Myoclonic Encephalopathy. Identifiers: MedGen C0270855.

Submission:

Labcorp Genetics (formerly Invitae), Labcorp
Classification: Uncertain significance for Early Myoclonic Encephalopathy. Last evaluated: 2023-05-31. Review status: criteria provided, single submitter. Criteria: Invitae Variant Classification Sherloc (09022015). Collection method: clinical testing. Allele origin: germline.
Comment: Experimental studies and prediction algorithms are not available or were not evaluated, and the functional significance of this variant is currently unknown. In summary, the available evidence is currently insufficient to determine the role of this variant in disease. Therefore, it has been classified as a Variant of Uncertain Significance. This variant, c.5043_5045del, results in the deletion of 1 amino acid(s) of the JMJD1C protein (p.Arg1681del), but otherwise preserves the integrity of the reading frame. This variant is not present in population databases (gnomAD no frequency). This variant has not been reported in the literature in individuals affected with JMJD1C-related conditions.